The following is an entry in ClinVar:

NM_004397.6(DDX6):c.329G>A (p.Gly110Glu)

Gene: DDX6 (DEAD-box helicase 6; minus strand). Cytogenetic location: 11q23.3.
Variant type: single nucleotide variant.
Coding change: c.329G>A on transcript NM_004397.6 (MANE Select); coding-DNA position 329, G replaced by A.
Protein change: p.Gly110Glu; replaces glycine 110 with glutamic acid.
Molecular consequence: missense variant.
Genome position (GRCh38, 1-based): chr11:118,779,672, C>T on the plus strand (G>A on the coding strand, the complement: DDX6 is on the minus strand). VCF-style: chr11-118779672-C-T. GRCh37 (hg19) VCF-style: chr11-118650381-C-T.
Other names: c.329G>A, p.Gly110Glu (NM_001257191.3, NM_001425145.1, NM_001425146.1 and 7 more transcripts); c.5G>A, p.Gly2Glu (NM_001425154.1); short protein forms G110E, G2E.
Identifiers: ClinVar variation 4527233 (VCV004527233.1).

ClinVar aggregate classification (germline): Uncertain significance (1 of 4 stars; one submission).

Submission:

GeneDx
Classification: Uncertain significance. Last evaluated: 2025-04-22. Review status: criteria provided, single submitter. Criteria: GeneDx Variant Classification Process June 2021. Collection method: clinical testing. Allele origin: germline. Affected: yes.
Comment: Not observed at significant frequency in large population cohorts (gnomAD); In silico analysis supports that this missense variant has a deleterious effect on protein structure/function; Has not been previously published as pathogenic or benign to our knowledge